The following is an entry in ClinVar:

ClinVar aggregate classification (germline): Uncertain significance (1 of 4 stars; one submission).

Conditions:
Autosomal recessive inherited pseudoxanthoma elasticum (PXE). Identifiers: Orphanet 758, MedGen CN032334, MONDO:0009925, OMIM 264800.
Pseudoxanthoma elasticum, forme fruste. Also called: PSEUDOXANTHOMA ELASTICUM, HETEROZYGOUS; Pseudoxanthoma Elasticum, Incomplete. Identifiers: Orphanet 758, MedGen C1867450, MONDO:0008333, OMIM 177850.
Arterial calcification, generalized, of infancy, 2. Identifiers: Orphanet 51608, MedGen C3276161, MONDO:0013768, OMIM 614473.

gnomAD v4.1: 1 of 1,614,026 alleles (0.000062%); highest among the groups gnomAD compares: East Asian, 0.0022%; no homozygotes.

Submission:

Juno Genomics, Hangzhou Juno Genomics, Inc
Classification: Uncertain significance for Arterial calcification, generalized, of infancy, 2; Autosomal recessive inherited pseudoxanthoma elasticum; Pseudoxanthoma elasticum, forme fruste. Review status: criteria provided, single submitter. Criteria: ACMG Guidelines, 2015. Collection method: clinical testing. Allele origin: germline.
Comment: Absent from controls (or at extremely low frequency if recessive) in Genome Aggregation Database.;Multiple lines of computational evidence support a deleterious effect on the gene or gene product.

NM_001171.6(ABCC6):c.1591C>T (p.Leu531Phe)

Gene: ABCC6 (ATP binding cassette subfamily C member 6; minus strand). Cytogenetic location: 16p13.11.
Variant type: single nucleotide variant.
Coding change: c.1591C>T on transcript NM_001171.6 (MANE Select); coding-DNA position 1591, C replaced by T.
Protein change: p.Leu531Phe; replaces leucine 531 with phenylalanine.
Molecular consequence: missense variant. On other transcripts: non-coding transcript variant (4).
Genome position (GRCh38, 1-based): chr16:16,190,208, G>A on the plus strand (C>T on the coding strand, the complement: ABCC6 is on the minus strand). VCF-style: chr16-16190208-G-A. GRCh37 (hg19) VCF-style: chr16-16284065-G-A.
Other names: c.1249C>T, p.Leu417Phe (NM_001351800.1); c.1591C>T, p.Leu531Phe (NM_001440309.1, NM_001440310.1); short protein forms L417F, L531F.
Identifiers: ClinVar variation 5019320 (VCV005019320.2).
Genomic context (GRCh38, chr16:16,190,208, plus strand): 5'-ACTAGAGTGACGTCACCAGAAATGTAGACACTTGGAAGGACACCAGCGACACAGAGAAGA[G>A]GAGGCCGGAGGTCCGCAAGGCGCCCAGCTCCTGGCCTCGGATGCCCAGGACTCTGTCCAG-3'
Protein context (NP_001162.5, residues 521-541): ELGALRTSGL[Leu531Phe]FSVSLVSFQV